The following is an entry in ClinVar:

NM_001433705.1(NLRP5):c.2722T>C (p.Ser908Pro)

Gene: NLRP5 (NLR family pyrin domain containing 5; plus strand). Cytogenetic location: 19q13.43.
Variant type: single nucleotide variant.
Coding change: c.2722T>C on transcript NM_001433705.1 (MANE Select); coding-DNA position 2722, T replaced by C.
Protein change: p.Ser908Pro; replaces serine 908 with proline.
Molecular consequence: missense variant.
Genome position (GRCh38, 1-based): chr19:56,041,010, T>C. VCF-style: chr19-56041010-T-C. GRCh37 (hg19) VCF-style: chr19-56552376-T-C.
Other names: NM_153447.4:c.2875T>C; short protein forms S908P.
Identifiers: ClinVar variation 4558100 (VCV004558100.2).

ClinVar aggregate classification (germline): Uncertain significance. Review status: criteria provided, multiple submitters, no conflicts (2 of 4 stars). 2 submissions from 2 submitters: Uncertain significance (2). Last evaluated 2026-08-01.

gnomAD v4.1: 21 of 1,613,838 alleles (0.0013%); highest among the groups gnomAD compares: Non-Finnish European, 0.0018%; no homozygotes.

Submissions (2):

CeGaT Center for Human Genetics Tuebingen
Classification: Uncertain significance. Last evaluated: 2026-08-01. Review status: criteria provided, single submitter. Criteria: CeGaT Center For Human Genetics Tuebingen Variant Classification Criteria Version 2. Collection method: clinical testing. Allele origin: germline. Affected: yes. Observed: 1 variant allele.
Comment: NLRP5: PM2

Ambry Genetics
Classification: Uncertain significance. Last evaluated: 2025-12-04. Review status: criteria provided, single submitter. Criteria: Ambry Variant Classification Scheme 2023. Collection method: clinical testing. Allele origin: germline.